The following is an entry in ClinVar:

NM_001040151.2(SCN3B):c.584C>G (p.Ala195Gly)

Gene: SCN3B (sodium voltage-gated channel beta subunit 3; minus strand). Cytogenetic location: 11q24.1.
Variant type: single nucleotide variant.
Coding change: c.584C>G on transcript NM_001040151.2 (MANE Select); coding-DNA position 584, C replaced by G.
Protein change: p.Ala195Gly; replaces alanine 195 with glycine.
Molecular consequence: missense variant.
Genome position (GRCh38, 1-based): chr11:123,638,186, G>C on the plus strand (C>G on the coding strand, the complement: SCN3B is on the minus strand). VCF-style: chr11-123638186-G-C. GRCh37 (hg19) VCF-style: chr11-123508894-G-C.
Other names: c.584C>G, p.Ala195Gly (NM_018400.4); short protein forms A195G.
Identifiers: ClinVar variation 4614926 (VCV004614926.2).

ClinVar aggregate classification (germline): Conflicting classifications of pathogenicity. Review status: criteria provided, conflicting classifications (1 of 4 stars). 2 submissions from 2 submitters: Uncertain significance (1); Likely benign (1). Last evaluated 2025-10-16.

Conditions:
Cardiovascular phenotype. Identifiers: MedGen CN230736.
Brugada syndrome 7 (BRGDA7). Identifiers: Orphanet 130, MedGen C2751088, MONDO:0013146, OMIM 613120.

gnomAD v4.1: 12 of 1,614,016 alleles (0.00074%); highest among the groups gnomAD compares: Admixed American, 0.017%; no homozygotes.

Submissions (2):

Ambry Genetics
Classification: Likely benign for Cardiovascular phenotype. Last evaluated: 2025-10-16. Review status: criteria provided, single submitter. Criteria: Ambry Variant Classification Scheme 2023. Collection method: clinical testing. Allele origin: germline.

Labcorp Genetics (formerly Invitae), Labcorp
Classification: Uncertain significance for Brugada syndrome 7. Last evaluated: 2025-05-26. Review status: criteria provided, single submitter. Criteria: Invitae Variant Classification Sherloc (09022015). Collection method: clinical testing. Allele origin: germline.
Comment: This sequence change replaces alanine, which is neutral and non-polar, with glycine, which is neutral and non-polar, at codon 195 of the SCN3B protein (p.Ala195Gly). This variant is present in population databases (rs767843514, gnomAD 0.03%). This variant has not been reported in the literature in individuals affected with SCN3B-related conditions. An algorithm developed to predict the effect of missense changes on protein structure and function (PolyPhen-2) suggests that this variant is likely to be tolerated. In summary, the available evidence is currently insufficient to determine the role of this variant in disease. Therefore, it has been classified as a Variant of Uncertain Significance.